The following is an entry in ClinVar:

NM_015122.3(FCHO1):c.460G>C (p.Glu154Gln)

Gene: FCHO1 (FCH and mu domain containing endocytic adaptor 1; plus strand). Cytogenetic location: 19p13.11.
Variant type: single nucleotide variant.
Coding change: c.460G>C on transcript NM_015122.3 (MANE Select); coding-DNA position 460, G replaced by C.
Protein change: p.Glu154Gln; replaces glutamic acid 154 with glutamine.
Molecular consequence: missense variant. On other transcripts: non-coding transcript variant (36).
Genome position (GRCh38, 1-based): chr19:17,770,548, G>C. VCF-style: chr19-17770548-G-C. GRCh37 (hg19) VCF-style: chr19-17881357-G-C.
Other names: c.460G>C, p.Glu154Gln (NM_001161357.2, NM_001161358.2, NM_001384370.1 and 26 more transcripts); c.310G>C, p.Glu104Gln (NM_001161359.2, NM_001384384.1, NM_001384385.1 and 3 more transcripts); c.421G>C, p.Glu141Gln (NM_001384388.1, NM_001384389.1, NM_001384405.1); c.385G>C, p.Glu129Gln (NM_001384390.1); c.460G>C (NM_001161357.1); short protein forms E129Q, E141Q, E154Q, E104Q.
Identifiers: ClinVar variation 1510079 (VCV001510079.6), dbSNP rs780905707, ClinGen allele CA9300095.

ClinVar aggregate classification (germline): Uncertain significance. Review status: criteria provided, multiple submitters, no conflicts (2 of 4 stars). 2 submissions from 2 submitters: Uncertain significance (2). Last evaluated 2025-04-01.

Allele frequency attached by ClinVar (database versions not stated): gnomAD exomes 0.00003; TOPMed 0.00003; ExAC 0.00002; gnomAD 0.00011 and 0.00012.
gnomAD v4.1: 99 of 1,613,256 alleles (0.0061%); highest among the groups gnomAD compares: Non-Finnish European, 0.0078%; 1 homozygote.

Submissions (2):

Ambry Genetics
Classification: Uncertain significance. Last evaluated: 2025-04-01. Review status: criteria provided, single submitter. Criteria: Ambry Variant Classification Scheme 2023. Collection method: clinical testing. Allele origin: germline.

Labcorp Genetics (formerly Invitae), Labcorp
Classification: Uncertain significance. Last evaluated: 2022-06-27. Review status: criteria provided, single submitter. Criteria: Invitae Variant Classification Sherloc (09022015). Collection method: clinical testing. Allele origin: germline.
Comment: In summary, the available evidence is currently insufficient to determine the role of this variant in disease. Therefore, it has been classified as a Variant of Uncertain Significance. Algorithms developed to predict the effect of missense changes on protein structure and function are either unavailable or do not agree on the potential impact of this missense change (SIFT: "Deleterious"; PolyPhen-2: "Possibly Damaging"; Align-GVGD: "Class C0"). This variant has not been reported in the literature in individuals affected with FCHO1-related conditions. This variant is present in population databases (rs780905707, gnomAD 0.02%). This sequence change replaces glutamic acid, which is acidic and polar, with glutamine, which is neutral and polar, at codon 154 of the FCHO1 protein (p.Glu154Gln).